The following is an entry in ClinVar:

NM_001378454.1(ALMS1):c.7540+3A>G

Gene: ALMS1 (ALMS1 centrosome and basal body associated protein; plus strand). Cytogenetic location: 2p13.1.
Variant type: single nucleotide variant.
Coding change: c.7540+3A>G on transcript NM_001378454.1 (MANE Select); 3 bases into the intron after coding-DNA position 7540, A replaced by G.
Molecular consequence: intron variant.
Genome position (GRCh38, 1-based): chr2:73,454,070, A>G. VCF-style: chr2-73454070-A-G. GRCh37 (hg19) VCF-style: chr2-73681197-A-G.
Other names: c.7543+3A>G (NM_015120.4); c.7540+3A>G (NM_015120.4).
Identifiers: ClinVar variation 2150146 (VCV002150146.4), dbSNP rs566648077, ClinGen allele CA1714253.

ClinVar aggregate classification (germline): Uncertain significance. Review status: criteria provided, multiple submitters, no conflicts (2 of 4 stars). 3 submissions from 3 submitters: Uncertain significance (3). Last evaluated 2025-04-04.

Conditions:
Alstrom syndrome (ALMS). Identifiers: Orphanet 64, MedGen C0268425, MONDO:0008763, OMIM 203800.
Cardiovascular phenotype. Identifiers: MedGen CN230736.

Allele frequency attached by ClinVar (database versions not stated): TOPMed below 0.00001; gnomAD exomes 0.00003; gnomAD 0.00006; ExAC 0.00010; 1000 Genomes Project 30x 0.00078; 1000 Genomes Project 0.00100.
gnomAD v4.1: 58 of 1,606,218 alleles (0.0036%); highest among the groups gnomAD compares: South Asian, 0.059%; no homozygotes.

Submissions (3):

Ambry Genetics
Classification: Uncertain significance for Cardiovascular phenotype. Last evaluated: 2025-04-04. Review status: criteria provided, single submitter. Criteria: Ambry Variant Classification Scheme 2023. Collection method: clinical testing. Allele origin: germline.
Comment: The c.7543+3A>G intronic variant results from an A to G substitution 3 nucleotides after coding exon 8 in the ALMS1 gene. This nucleotide position is highly conserved in available vertebrate species. In silico splice site analysis for this alteration is inconclusive. Based on the available evidence, the clinical significance of this variant remains unclear.

Women's Health and Genetics/Laboratory Corporation of America, LabCorp
Classification: Uncertain significance. Last evaluated: 2024-07-28. Review status: criteria provided, single submitter. Criteria: LabCorp Variant Classification Summary - May 2015. Collection method: clinical testing. Allele origin: germline.

Labcorp Genetics (formerly Invitae), Labcorp
Classification: Uncertain significance for Alstrom syndrome. Last evaluated: 2022-08-02. Review status: criteria provided, single submitter. Criteria: Invitae Variant Classification Sherloc (09022015). Collection method: clinical testing. Allele origin: germline.
Comment: This sequence change falls in intron 8 of the ALMS1 gene. It does not directly change the encoded amino acid sequence of the ALMS1 protein. It affects a nucleotide within the consensus splice site. This variant is present in population databases (rs566648077, gnomAD 0.05%). This variant has not been reported in the literature in individuals affected with ALMS1-related conditions. Variants that disrupt the consensus splice site are a relatively common cause of aberrant splicing (PMID: 17576681, 9536098). Algorithms developed to predict the effect of sequence changes on RNA splicing suggest that this variant may disrupt the consensus splice site. In summary, the available evidence is currently insufficient to determine the role of this variant in disease. Therefore, it has been classified as a Variant of Uncertain Significance.

Literature cited by the submitters: PubMed 17576681 (cited by Labcorp Genetics (formerly Invitae), Labcorp); PubMed 9536098 (cited by Labcorp Genetics (formerly Invitae), Labcorp).